The following is an entry in ClinVar:

ClinVar aggregate classification (germline): Conflicting classifications of pathogenicity. Review status: criteria provided, conflicting classifications (1 of 4 stars). 17 submissions from 17 submitters: Uncertain significance (2); Likely benign (9). 6 of the submissions do not count toward it. Last evaluated 2026-09-30.

Conditions:
Inherited ovarian cancer (without breast cancer).
BRCA2-related disorder. Also called: BRCA2-related condition; BRCA2-related disorders. Identifiers: MedGen CN239275.
Hereditary cancer-predisposing syndrome. Also called: Neoplastic Syndromes, Hereditary; Tumor predisposition; Hereditary Cancer Syndrome; Hereditary neoplastic syndrome. Identifiers: Orphanet 140162, MedGen C0027672, MeSH D009386, MONDO:0015356.
Familial prostate cancer. Also called: Hereditary Prostate Cancer. Identifiers: MedGen C2931456, MONDO:0700275, OMIM 176807.
Hereditary breast ovarian cancer syndrome. Also called: Breast and ovarian cancer; Hereditary breast and ovarian cancer; Hereditary breast and ovarian cancer syndrome (HBOC); Hereditary breast and ovarian cancer syndrome; BRCA1- and BRCA2-Associated Hereditary Breast and Ovarian Cancer; Hereditary breast and/or ovarian cancer syndrome. Identifiers: Orphanet 145, MedGen C0677776, MeSH D061325, MONDO:0003582. Disease mechanism: loss of function.
Breast-ovarian cancer, familial, susceptibility to, 2 (BROVCA2). Also called: BRCA2 Hereditary Breast and Ovarian Cancer. Identifiers: Orphanet 145, MedGen C2675520, MONDO:0012933, OMIM 612555. Disease mechanism: loss of function.

Allele frequency attached by ClinVar (database versions not stated): gnomAD 0.00002; gnomAD exomes 0.00002; TOPMed 0.00002.
gnomAD v4.1: 27 of 1,605,114 alleles (0.0017%); highest among the groups gnomAD compares: South Asian, 0.0079%; no homozygotes.

Submissions (17):

Genomics and Molecular Medicine Service, East Genomic Laboratory Hub, NHS Genomic Medicine Service
Classification: Likely benign for Inherited ovarian cancer (without breast cancer). Last evaluated: 2026-09-30. Review status: criteria provided, single submitter. Criteria: ACGS Best Practice Guidelines for Variant Classification in Rare Disease 2020. Collection method: clinical testing. Allele origin: germline. Affected: yes.
Comment: BP1_Strong

Labcorp Genetics (formerly Invitae), Labcorp
Classification: Likely benign for Hereditary breast ovarian cancer syndrome. Last evaluated: 2026-01-25. Review status: criteria provided, single submitter. Criteria: Invitae Variant Classification Sherloc (09022015). Collection method: clinical testing. Allele origin: germline.

Mayo Clinic Laboratories, Mayo Clinic
Classification: Likely benign. Last evaluated: 2025-10-23. Review status: criteria provided, single submitter. Criteria: ACMG Guidelines, 2015. Collection method: clinical testing. Allele origin: germline. Observed: 1 variant allele.
Comment: BS1_supporting, BP1_strong

Quest Diagnostics Nichols Institute San Juan Capistrano
Classification: Uncertain significance. Last evaluated: 2024-06-11. Review status: criteria provided, single submitter. Criteria: Quest Diagnostics criteria. Collection method: clinical testing. Allele origin: unknown.
Comment: The BRCA2 c.2459A>G (p.Asp820Gly) variant has been reported in the published literature in individuals affected with pancreatic cancer (PMID: 27803004 (2017)), renal cell carcinoma (PMID: 29610387 (2018)), and breast cancer (PMID: 31477031 (2019)). In a large-scale breast cancer association study, this variant was observed in individuals with breast cancer as well as in reportedly healthy individuals (PMID: 33471991 (2021), see also LOVD). This variant has also been described to be located in a region of the BRCA2 gene that is tolerant to missense sequence changes (PMID: 31911673 (2020)). The frequency of this variant in the general population, 0.00011 (3/28276 chromosomes (Genome Aggregation Database)), is uninformative in the assessment of its pathogenicity. Analysis of this variant using bioinformatics tools for the prediction of the effect of amino acid changes on protein structure and function yielded predictions that this variant is benign. Based on the available information, we are unable to determine the clinical significance of this variant.

All of Us Research Program, National Institutes of Health
Classification: Likely benign for Breast-ovarian cancer, familial, susceptibility to, 2. Last evaluated: 2023-09-17. Review status: criteria provided, single submitter. Criteria: ACMG Guidelines, 2015. Collection method: clinical testing. Allele origin: germline. Inheritance: Autosomal dominant inheritance. Observed: 6 variant alleles, 6 heterozygotes.
Comment: This study involves interpretation of variants in research participants for the purpose of population health screening. Participant phenotype was not available at the time of variant classification. Additional details can be found in publication PMID: 35346344, PMCID: PMC8962531

University of Washington Department of Laboratory Medicine, University of Washington
Classification: Likely benign for Hereditary cancer-predisposing syndrome. Last evaluated: 2023-03-23. Review status: criteria provided, single submitter. Criteria: Dines et al. (Genet Med. 2020). Collection method: curation. Allele origin: germline.
Comment: Missense variant in a coldspot region where missense variants are very unlikely to be pathogenic (PMID:31911673).

BRCA2 exon 11 coldspot. Reclassification based on statistical prior probability.

Women's Health and Genetics/Laboratory Corporation of America, LabCorp
Classification: Likely benign. Last evaluated: 2022-10-10. Review status: criteria provided, single submitter. Criteria: LabCorp Variant Classification Summary - May 2015. Collection method: clinical testing. Allele origin: germline.
Comment: Variant summary: BRCA2 c.2459A>G (p.Asp820Gly) results in a non-conservative amino acid change in the encoded protein sequence. Three of five in-silico tools predict a benign effect of the variant on protein function. The variant allele was found at a frequency of 1.6e-05 in 242584 control chromosomes (gnomAD). The available data on variant occurrences in the general population are insufficient to allow any conclusion about variant significance. c.2459A>G has been reported in the literature in an individual affected with pancreatic ductal adenocarcinoma, however a co-occurring pathogenic variant (PALB2 c.1725dupG, pSer576Glufs*2) have been also found in this patient (Boeck 2017), providing supporting evidence for a benign role. It has also been reported as a VUS in individuals undergoing testing for breast cancer (example, Akter_2019). To our knowledge, no experimental evidence demonstrating an impact on protein function has been reported. Five clinical diagnostic laboratories have submitted clinical-significance assessments for this variant to ClinVar after 2014 without evidence for independent evaluation. Four of these classified the variant as likely benign. Based on the evidence outlined above, no conclusive evidence supporting a pathogenic outcome has been ascertained over a time frame of 5 years since its original classification by our laboratory and all subsequent evidence seem to support a benign outcome. Therefore, the variant was classified as likely benign.

Department of Pathology and Laboratory Medicine, Sinai Health System
Classification: Uncertain significance for Familial prostate cancer. Last evaluated: 2022-05-17. Review status: criteria provided, single submitter. Criteria: ACMG Guidelines, 2015. Collection method: clinical testing. Allele origin: germline. Affected: yes.

GeneDx
Classification: Likely benign. Last evaluated: 2021-02-28. Review status: criteria provided, single submitter. Criteria: GeneDx Variant Classification Process June 2021. Collection method: clinical testing. Allele origin: germline. Affected: yes.
Comment: This variant is associated with the following publications: (PMID: 21523855, 23929434, 24817641, 27803004, 10923033)

Ambry Genetics
Classification: Likely benign for Hereditary cancer-predisposing syndrome. Last evaluated: 2018-10-01. Review status: criteria provided, single submitter. Criteria: Ambry Variant Classification Scheme 2023. Collection method: clinical testing. Allele origin: germline.

Color Diagnostics, LLC DBA Color Health
Classification: Likely benign for Hereditary cancer-predisposing syndrome. Last evaluated: 2017-03-06. Review status: criteria provided, single submitter. Criteria: ACMG Guidelines, 2015. Collection method: clinical testing. Allele origin: germline.

PreventionGenetics, part of Exact Sciences
Classification: Likely benign for BRCA2-related condition. Last evaluated: 2024-09-05. Review status: no assertion criteria provided. Collection method: clinical testing. Allele origin: germline. Not counted in ClinVar's aggregate classification.
Comment: This variant is classified as likely benign based on ACMG/AMP sequence variant interpretation guidelines (Richards et al. 2015 PMID: 25741868, with internal and published modifications).

Counsyl
Classification: Uncertain significance for Breast-ovarian cancer, familial, susceptibility to, 2. Last evaluated: 2016-06-15. Review status: no assertion criteria provided. Collection method: clinical testing. Allele origin: unknown. Not counted in ClinVar's aggregate classification.

Sharing Clinical Reports Project (SCRP)
Classification: Likely benign for Breast-ovarian cancer, familial 2. Last evaluated: 2011-04-08. Review status: no assertion criteria provided. Collection method: clinical testing. Allele origin: germline. Not counted in ClinVar's aggregate classification.

Breast Cancer Information Core (BIC) (BRCA2)
Classification: Uncertain significance for Breast-ovarian cancer, familial 2. Last evaluated: 2001-02-16. Review status: no assertion criteria provided. Collection method: clinical testing. Allele origin: germline. Affected: yes. Observed: 2 variant alleles. Not counted in ClinVar's aggregate classification.

Genome Diagnostics Laboratory, University Medical Center Utrecht
Classification: Likely benign. Review status: no assertion criteria provided. Collection method: clinical testing. Allele origin: germline. Affected: yes. Study: VKGL Data-share Consensus. Not counted in ClinVar's aggregate classification.

Joint Genome Diagnostic Labs from Nijmegen and Maastricht, Radboudumc and MUMC+
Classification: Likely benign. Review status: no assertion criteria provided. Collection method: clinical testing. Allele origin: germline. Affected: yes. Study: VKGL Data-share Consensus. Not counted in ClinVar's aggregate classification.

Literature cited by the submitters: PubMed 31911673 (cited by Quest Diagnostics Nichols Institute San Juan Capistrano); PubMed 31477031 (cited by Quest Diagnostics Nichols Institute San Juan Capistrano and Women's Health and Genetics/Laboratory Corporation of America, LabCorp); PubMed 21523855 (cited by 3 submitters); PubMed 29610387 (cited by Quest Diagnostics Nichols Institute San Juan Capistrano and Women's Health and Genetics/Laboratory Corporation of America, LabCorp); PubMed 33471991 (cited by Quest Diagnostics Nichols Institute San Juan Capistrano); PubMed 27803004 (cited by 3 submitters); PubMed 28288110 (cited by Women's Health and Genetics/Laboratory Corporation of America, LabCorp); PubMed 24817641 (cited by Counsyl).

NM_000059.4(BRCA2):c.2459A>G (p.Asp820Gly)

Gene: BRCA2 (BRCA2 DNA repair associated; plus strand). Cytogenetic location: 13q13.1.
Variant type: single nucleotide variant.
Coding change: c.2459A>G on transcript NM_000059.4 (MANE Select); coding-DNA position 2459, A replaced by G.
Protein change: p.Asp820Gly; replaces aspartic acid 820 with glycine.
Molecular consequence: missense variant.
Genome position (GRCh38, 1-based): chr13:32,336,814, A>G. VCF-style: chr13-32336814-A-G. GRCh37 (hg19) VCF-style: chr13-32910951-A-G.
Other names: p.Asp820Gly; 2687A>G; short protein forms D820G.
Identifiers: ClinVar variation 51291 (VCV000051291.48), dbSNP rs80358511, ClinGen allele CA015354.